The following is an entry in ClinVar:

NM_001370259.2(MEN1):c.655-2A>G

Gene: MEN1 (menin 1; minus strand). Cytogenetic location: 11q13.1.
Variant type: single nucleotide variant.
Coding change: c.655-2A>G on transcript NM_001370259.2 (MANE Select); the canonical splice acceptor site of the intron before coding-DNA position 655, A replaced by G.
Molecular consequence: splice acceptor variant.
Genome position (GRCh38, 1-based): chr11:64,807,682, T>C on the plus strand (A>G on the coding strand, the complement: MEN1 is on the minus strand). VCF-style: chr11-64807682-T-C. GRCh37 (hg19) VCF-style: chr11-64575154-T-C.
Other names: c.670-2A>G (NM_130804.3, NM_130803.3, NM_000244.4 and 5 more transcripts); c.550-2A>G (NM_001407148.1, NM_001407149.1, NM_001407151.1 and 2 more transcripts); c.655-2A>G (NM_130799.3, NM_001407144.1, NM_001370260.2 and 7 more transcripts).
Identifiers: ClinVar variation 2169555 (VCV002169555.4), dbSNP rs1941831929, ClinGen allele CA381185257.

ClinVar aggregate classification (germline): Pathogenic (1 of 4 stars; one submission).

Conditions:
Multiple endocrine neoplasia, type 1 (MEN1). Also called: MEA I; MEN I; WERMER SYNDROME; Endocrine adenomatosis multiple; MEN 1. Identifiers: Orphanet 652, MedGen C0025267, MeSH D018761, MONDO:0007540, OMIM 131100.

Submission:

Labcorp Genetics (formerly Invitae), Labcorp
Classification: Pathogenic for Multiple endocrine neoplasia, type 1. Last evaluated: 2022-08-30. Review status: criteria provided, single submitter. Criteria: Invitae Variant Classification Sherloc (09022015). Collection method: clinical testing. Allele origin: germline.
Comment: This sequence change affects an acceptor splice site in intron 3 of the MEN1 gene. It is expected to disrupt RNA splicing. Variants that disrupt the donor or acceptor splice site typically lead to a loss of protein function (PMID: 16199547), and loss-of-function variants in MEN1 are known to be pathogenic (PMID: 12112656, 17853334). This variant is not present in population databases (gnomAD no frequency). Disruption of this splice site has been observed in individuals with multiple endocrine neoplasia type 1 (PMID: 9709985, 22026581). Algorithms developed to predict the effect of sequence changes on RNA splicing suggest that this variant may disrupt the consensus splice site. For these reasons, this variant has been classified as Pathogenic.

Literature cited by the submitters: PubMed 16199547; PubMed 12112656; PubMed 17853334; PubMed 9709985; PubMed 22026581.